The following is an entry in ClinVar:

NM_002474.3(MYH11):c.388C>T (p.His130Tyr)

Gene: MYH11 (myosin heavy chain 11; minus strand). Cytogenetic location: 16p13.11.
Variant type: single nucleotide variant.
Coding change: c.388C>T on transcript NM_002474.3 (MANE Select); coding-DNA position 388, C replaced by T.
Protein change: p.His130Tyr; replaces histidine 130 with tyrosine.
Molecular consequence: missense variant.
Genome position (GRCh38, 1-based): chr16:15,823,369, G>A on the plus strand (C>T on the coding strand, the complement: MYH11 is on the minus strand). VCF-style: chr16-15823369-G-A. GRCh37 (hg19) VCF-style: chr16-15917226-G-A.
Other names: c.388C>T, p.His130Tyr (NM_022844.3, NM_001040113.2, NM_001040114.2); short protein forms H130Y.
Identifiers: ClinVar variation 4765409 (VCV004765409.1).

ClinVar aggregate classification (germline): Uncertain significance (1 of 4 stars; one submission).

Conditions:
Aortic aneurysm, familial thoracic 4 (AAT4). Also called: AORTIC ANEURYSM/AORTIC DISSECTION AND PATENT DUCTUS ARTERIOSUS. Identifiers: MedGen C1851504, MONDO:0007568, OMIM 132900.

Submission:

Labcorp Genetics (formerly Invitae), Labcorp
Classification: Uncertain significance for Aortic aneurysm, familial thoracic 4. Last evaluated: 2025-06-30. Review status: criteria provided, single submitter. Criteria: Invitae Variant Classification Sherloc (09022015). Collection method: clinical testing. Allele origin: germline.
Comment: This sequence change replaces histidine, which is basic and polar, with tyrosine, which is neutral and polar, at codon 130 of the MYH11 protein (p.His130Tyr). This variant is not present in population databases (gnomAD no frequency). This variant has not been reported in the literature in individuals affected with MYH11-related conditions. Invitae Evidence Modeling of protein sequence and biophysical properties (such as structural, functional, and spatial information, amino acid conservation, physicochemical variation, residue mobility, and thermodynamic stability) indicates that this missense variant is not expected to disrupt MYH11 protein function with a negative predictive value of 95%. In summary, the available evidence is currently insufficient to determine the role of this variant in disease. Therefore, it has been classified as a Variant of Uncertain Significance.